The following is an entry in ClinVar:

NM_138694.4(PKHD1):c.4415delinsTATTCCCC (p.Cys1472fs)

Gene: PKHD1 (PKHD1 ciliary IPT domain containing fibrocystin/polyductin; minus strand). Cytogenetic location: 6p12.2.
Variant type: Indel.
Coding change: c.4415delinsTATTCCCC on transcript NM_138694.4 (MANE Select); coding-DNA position 4415, G replaced by TATTCCCC.
Protein change: p.Cys1472fs; shifts the reading frame from cysteine 1472.
Molecular consequence: frameshift variant.
Genome position (GRCh38, 1-based): chr6:52,025,395, C replaced by GGGGAATA on the plus strand (G replaced by TATTCCCC on the coding strand, the reverse complement: PKHD1 is on the minus strand). VCF-style: chr6-52025395-C-GGGGAATA. GRCh37 (hg19) VCF-style: chr6-51890193-C-GGGGAATA.
Other names: c.4415delinsTATTCCCC, p.Cys1472fs (NM_170724.3); c.4415delinsTATTCCCC (NM_138694.3); short protein forms C1472fs.
Identifiers: ClinVar variation 96404 (VCV000096404.21), dbSNP rs398124486, ClinGen allele CA224077.

ClinVar aggregate classification (germline): Pathogenic/Likely pathogenic. Review status: criteria provided, multiple submitters, no conflicts (2 of 4 stars). 8 submissions from 8 submitters: Pathogenic (6); Likely pathogenic (1). 1 of the submissions does not count toward it. Last evaluated 2025-01-09.

Conditions:
Polycystic kidney disease 4 (PKD4). Also called: POLYCYSTIC KIDNEY AND HEPATIC DISEASE 1; POLYCYSTIC KIDNEY DISEASE, INFANTILE, TYPE I; PKD3; Autosomal Recessive Polycystic Kidney Disease – PKHD1; POLYCYSTIC KIDNEY DISEASE 4 WITH OR WITHOUT POLYCYSTIC LIVER DISEASE. Identifiers: MedGen C4540575, MONDO:0033004, OMIM 263200.
Autosomal recessive polycystic kidney disease (ARPKD). Also called: AR polycystic kidney disease. Identifiers: Orphanet 731, Orphanet 8378, MedGen C0085548, MeSH D017044, MONDO:0009889.

Submissions (8):

Department of Pathology and Laboratory Medicine, Sinai Health System
Classification: Pathogenic for autosomal recessive polycystic kidney disease. Last evaluated: 2025-01-09. Review status: criteria provided, single submitter. Criteria: ACMG Guidelines, 2015. Collection method: clinical testing. Allele origin: germline.

Natera, Inc.
Classification: Likely pathogenic for Autosomal recessive polycystic kidney disease. Last evaluated: 2024-12-19. Review status: criteria provided, single submitter. Criteria: Natera Variant Classification Schema (03/2026). Collection method: clinical testing. Allele origin: germline.
Comment: The c.4415delGinsTATTCCCC variant in PKHD1 is a frameshift variant predicted to shift the reading frame beginning at codon 1472 and leads to a stop codon 36 codons downstream. This variant is expected to result in nonsense mediated decay, truncation, or a dysfunctional protein product. This variant is rare in the general population with a frequency below the threshold expected for the associated phenotype(s). Given the available evidence, this variant is classified as Likely Pathogenic.

Baylor Genetics
Classification: Pathogenic for Polycystic kidney disease 4. Last evaluated: 2022-06-22. Review status: criteria provided, single submitter. Criteria: ACMG Guidelines, 2015. Collection method: clinical testing. Allele origin: unknown.

Labcorp Genetics (formerly Invitae), Labcorp
Classification: Pathogenic for Autosomal recessive polycystic kidney disease. Last evaluated: 2022-03-19. Review status: criteria provided, single submitter. Criteria: Invitae Variant Classification Sherloc (09022015). Collection method: clinical testing. Allele origin: germline.
Comment: For these reasons, this variant has been classified as Pathogenic. This variant is also known as c.4415-4418del4ins11, c.4415_4418del4insTATTCCCCTCT. This premature translational stop signal has been observed in individual(s) with autosomal recessive polycystic kidney disease (PMID: 15805161). This variant is present in population databases (no rsID available, gnomAD 0.0009%). This sequence change creates a premature translational stop signal (p.Cys1472Leufs*36) in the PKHD1 gene. It is expected to result in an absent or disrupted protein product. Loss-of-function variants in PKHD1 are known to be pathogenic (PMID: 19940839).

Fulgent Genetics
Classification: Pathogenic for Polycystic kidney disease 4. Last evaluated: 2021-11-08. Review status: criteria provided, single submitter. Criteria: ACMG Guidelines, 2015. Collection method: clinical testing. Allele origin: unknown.

Revvity Omics, Revvity
Classification: Pathogenic for Polycystic kidney disease 4. Last evaluated: 2021-09-03. Review status: criteria provided, single submitter. Criteria: ACMG Guidelines, 2015. Collection method: clinical testing. Allele origin: germline.

Eurofins Ntd Llc (ga)
Classification: Pathogenic. Last evaluated: 2014-08-29. Review status: criteria provided, single submitter. Criteria: EGL Classification Definitions. Collection method: clinical testing. Allele origin: germline. Observed: 6 variant alleles, 5 heterozygotes, 1 homozygote.

Genetic Services Laboratory, University of Chicago
Classification: Pathogenic. Last evaluated: 2022-06-02. Review status: no assertion criteria provided. Collection method: clinical testing. Allele origin: germline. Affected: yes. Not counted in ClinVar's aggregate classification.
Comment: DNA sequence analysis of the PKHD1 gene demonstrated a deletion of one base pair and the insertion of eight base pairs in exon 32, c.4415delinsTATTCCCC. This sequence change results in an amino acid frameshift and creates a premature stop codon 36 amino acids downstream of the change, p.Cys1472Leufs*36. This sequence change is predicted to result in an abnormal transcript, which may be degraded, or may lead to the production of a truncated PKHD1 protein with potentially abnormal function. This sequence change has not been described in population databases such as ExAC and gnomAD. A similar sequence change, c.4415_4418del4ins11TATTCCCCTCT, predicted to lead to the same amino acid frameshift, has previously been described in an individual with autosomal recessive polycystic kidney disease (PMID: 15805161). Collectively, these evidences indicate this sequence change is pathogenic.

Literature cited by the submitters: PubMed 15805161 (cited by Department of Pathology and Laboratory Medicine, Sinai Health System and Labcorp Genetics (formerly Invitae), Labcorp); PubMed 19940839 (cited by Labcorp Genetics (formerly Invitae), Labcorp).